The following is an entry in ClinVar:

NM_000338.3(SLC12A1):c.766T>C (p.Phe256Leu)

Gene: SLC12A1 (solute carrier family 12 member 1; plus strand). Cytogenetic location: 15q21.1.
Variant type: single nucleotide variant.
Coding change: c.766T>C on transcript NM_000338.3 (MANE Select); coding-DNA position 766, T replaced by C.
Protein change: p.Phe256Leu; replaces phenylalanine 256 with leucine.
Molecular consequence: missense variant.
Genome position (GRCh38, 1-based): chr15:48,229,230, T>C. VCF-style: chr15-48229230-T-C. GRCh37 (hg19) VCF-style: chr15-48521427-T-C.
Other names: c.766T>C, p.Phe256Leu (NM_001184832.2, NM_001384136.1); short protein forms F256L.
Identifiers: ClinVar variation 2230832 (VCV002230832.5), dbSNP rs552688153, ClinGen allele CA7546900.
Genomic context (GRCh38, chr15:48,229,230, plus strand): 5'-TGTTCATTTCTTGTTTCAGGTGGGGCCTACTATCTTATTTCCAGAAGTTTAGGGCCCGAG[T>C]TCGGTGGGTCAATAGGCCTGATCTTTGCTTTTGCTAATGCAGTGGCTGTTGCTATGTATG-3'
Protein context (NP_000329.2, residues 246-266): YLISRSLGPE[Phe256Leu]GGSIGLIFAF

ClinVar aggregate classification (germline): Uncertain significance. Review status: criteria provided, multiple submitters, no conflicts (2 of 4 stars). 4 submissions from 4 submitters: Uncertain significance (4). Last evaluated 2025-12-17.

Conditions:
Inborn genetic diseases. Identifiers: MedGen C0950123, MeSH D030342.
Bartter disease type 1. Also called: Bartter Syndrome type 1; HYPERPROSTAGLANDIN E SYNDROME 1; HYPOKALEMIC ALKALOSIS WITH HYPERCALCIURIA 1, ANTENATAL; Bartter syndrome, type 1, antenatal. Identifiers: Orphanet 112, Orphanet 620217, MedGen C1866495, MONDO:0100344, OMIM 601678, MONDO:0011127.

Allele frequency attached by ClinVar (database versions not stated): TOPMed 0.00001; gnomAD 0.00003; ExAC 0.00004; 1000 Genomes Project 30x 0.00016; 1000 Genomes Project 0.00020.
gnomAD v4.1: 50 of 1,593,636 alleles (0.0031%); highest among the groups gnomAD compares: Non-Finnish European, 0.0042%; no homozygotes.

Submissions (4):

Labcorp Genetics (formerly Invitae), Labcorp
Classification: Uncertain significance. Last evaluated: 2025-12-17. Review status: criteria provided, single submitter. Criteria: Invitae Variant Classification Sherloc (09022015). Collection method: clinical testing. Allele origin: germline.
Comment: This sequence change replaces phenylalanine, which is neutral and non-polar, with leucine, which is neutral and non-polar, at codon 256 of the SLC12A1 protein (p.Phe256Leu). This variant is present in population databases (rs552688153, gnomAD 0.004%). This missense change has been observed in individual(s) with clinical features of SLC12A1-related conditions (PMID: 35628451). ClinVar contains an entry for this variant (Variation ID: 2230832). Invitae Evidence Modeling of protein sequence and biophysical properties (such as structural, functional, and spatial information, amino acid conservation, physicochemical variation, residue mobility, and thermodynamic stability) has been performed for this missense variant. However, the output from this modeling did not meet the statistical confidence thresholds required to predict the impact of this variant on SLC12A1 protein function. In summary, the available evidence is currently insufficient to determine the role of this variant in disease. Therefore, it has been classified as a Variant of Uncertain Significance.

MVZ Medizinische Genetik Mainz
Classification: Uncertain significance for Bartter disease type 1. Last evaluated: 2025-07-22. Review status: criteria provided, single submitter. Criteria: UK Practice Guidelines For Variant Classification V4 01 2020. Collection method: clinical testing. Allele origin: germline. Inheritance: Autosomal recessive inheritance. Affected: yes. Observed: 1 variant allele.
Comment: ACMG Criteria: PP3_MOD,PM2_SUP,PM3_SUP,PP4

Fulgent Genetics
Classification: Uncertain significance for Bartter disease type 1. Last evaluated: 2024-03-13. Review status: criteria provided, single submitter. Criteria: ACMG Guidelines, 2015. Collection method: clinical testing. Allele origin: germline.

Ambry Genetics
Classification: Uncertain significance for Inborn genetic diseases. Last evaluated: 2021-05-16. Review status: criteria provided, single submitter. Criteria: Ambry Variant Classification Scheme 2023. Collection method: clinical testing. Allele origin: germline.

Literature cited by the submitters: PubMed 35628451 (cited by Labcorp Genetics (formerly Invitae), Labcorp).